The following is an entry in ClinVar:

ClinVar aggregate classification (germline): Uncertain significance (1 of 4 stars; one submission).

Allele frequency attached by ClinVar (database versions not stated): gnomAD exomes below 0.00001.
gnomAD v4.1: 1 of 1,614,196 alleles (0.000062%); highest among the groups gnomAD compares: Non-Finnish European, 0.000085%; no homozygotes.

Submission:

Labcorp Genetics (formerly Invitae), Labcorp
Classification: Uncertain significance. Last evaluated: 2024-01-01. Review status: criteria provided, single submitter. Criteria: Invitae Variant Classification Sherloc (09022015). Collection method: clinical testing. Allele origin: germline.
Comment: This sequence change replaces isoleucine, which is neutral and non-polar, with methionine, which is neutral and non-polar, at codon 3288 of the KMT2A protein (p.Ile3288Met). This variant is not present in population databases (gnomAD no frequency). This variant has not been reported in the literature in individuals affected with KMT2A-related conditions. Advanced modeling of protein sequence and biophysical properties (such as structural, functional, and spatial information, amino acid conservation, physicochemical variation, residue mobility, and thermodynamic stability) performed at Invitae indicates that this missense variant is not expected to disrupt KMT2A protein function with a negative predictive value of 95%. In summary, the available evidence is currently insufficient to determine the role of this variant in disease. Therefore, it has been classified as a Variant of Uncertain Significance.

NM_001197104.2(KMT2A):c.9864C>G (p.Ile3288Met)

Gene: KMT2A (lysine methyltransferase 2A; plus strand). Cytogenetic location: 11q23.3.
Variant type: single nucleotide variant.
Coding change: c.9864C>G on transcript NM_001197104.2 (MANE Select); coding-DNA position 9864, C replaced by G.
Protein change: p.Ile3288Met; replaces isoleucine 3288 with methionine.
Molecular consequence: missense variant.
Genome position (GRCh38, 1-based): chr11:118,505,756, C>G. VCF-style: chr11-118505756-C-G. GRCh37 (hg19) VCF-style: chr11-118376471-C-G.
Other names: c.9954C>G, p.Ile3318Met (NM_001412597.1); c.9855C>G, p.Ile3285Met (NM_005933.4); short protein forms I3288M, I3285M, I3318M.
Identifiers: ClinVar variation 2704398 (VCV002704398.3), dbSNP rs2134408160, ClinGen allele CA382822024.